The following is an entry in ClinVar:

ClinVar aggregate classification (germline): Conflicting classifications of pathogenicity. Review status: criteria provided, conflicting classifications (1 of 4 stars). 2 submissions from 2 submitters: Likely pathogenic (1); Uncertain significance (1). Last evaluated 2022-10-13.

Conditions:
GPR179-related disorders.

Allele frequency attached by ClinVar (database versions not stated): gnomAD 0.00001; gnomAD exomes 0.00003; TOPMed 0.00003.

Submissions (2):

Labcorp Genetics (formerly Invitae), Labcorp
Classification: Uncertain significance. Last evaluated: 2022-10-13. Review status: criteria provided, single submitter. Criteria: Invitae Variant Classification Sherloc (09022015). Collection method: clinical testing. Allele origin: germline.
Comment: This sequence change creates a premature translational stop signal (p.Ala1201Glyfs*37) in the GPR179 gene. While this is not anticipated to result in nonsense mediated decay, it is expected to disrupt the last 1167 amino acid(s) of the GPR179 protein. This variant is present in population databases (no rsID available, gnomAD 0.0009%). This variant has not been reported in the literature in individuals affected with GPR179-related conditions. Experimental studies and prediction algorithms are not available or were not evaluated, and the functional significance of this variant is currently unknown. In summary, the available evidence is currently insufficient to determine the role of this variant in disease. Therefore, it has been classified as a Variant of Uncertain Significance.

Blueprint Genetics
Classification: Likely pathogenic for GPR179-related disorders. Last evaluated: 2017-11-22. Review status: criteria provided, single submitter. Criteria: ACMG Guidelines, 2015. Collection method: clinical testing. Allele origin: germline. Affected: yes. Observed: 1 variant allele.

NM_001004334.4(GPR179):c.3601dup (p.Ala1201fs)

Gene: GPR179 (G protein-coupled receptor 179; minus strand). Cytogenetic location: 17q12.
Variant type: Duplication.
Coding change: c.3601dup on transcript NM_001004334.4 (MANE Select); coding-DNA position 3601, one base duplicated (G; older notation c.3601dupG).
Protein change: p.Ala1201fs; shifts the reading frame from alanine 1201.
Molecular consequence: frameshift variant.
Genome position (GRCh38, 1-based): chr17:38,329,968, C duplicated on the plus strand (G on the coding strand, the reverse complement: GPR179 is on the minus strand). VCF-style (leftmost placement, unchanged base first): chr17-38329967-G-GC. GRCh37 (hg19) VCF-style: chr17-36485850-G-GC.
Other names: short protein forms A1201fs.
Identifiers: ClinVar variation 1908243 (VCV001908243.3), dbSNP rs1300962768, ClinGen allele CA771683458.